The following is an entry in ClinVar:

NM_001080437.3(SNED1):c.3567C>T (p.Pro1189=)

Genes: MTERF4 (mitochondrial transcription termination factor 4; minus strand), SNED1 (sushi, nidogen and EGF like domains 1; plus strand). Cytogenetic location: 2q37.3.
Variant type: single nucleotide variant.
Coding change: c.3567C>T on transcript NM_001080437.3 (MANE Select); coding-DNA position 3567, C replaced by T.
Protein change: p.Pro1189=; no amino-acid change (proline 1189 retained).
Molecular consequence: synonymous variant.
Genome position (GRCh38, 1-based): chr2:241,070,179, C>T. VCF-style: chr2-241070179-C-T. GRCh37 (hg19) VCF-style: chr2-242009594-C-T.
Identifiers: ClinVar variation 2652107 (VCV002652107.24), dbSNP rs375438550, ClinGen allele CA2211768.

ClinVar aggregate classification (germline): Likely benign (1 of 4 stars; one submission).

Allele frequency attached by ClinVar (database versions not stated): 1000 Genomes Project 30x 0.00031; TOPMed 0.00142; gnomAD 0.00158; ESP Exome Variant Server 0.00161; gnomAD exomes 0.00208; ExAC 0.00238.
gnomAD v4.1: 3,242 of 1,601,322 alleles (0.2%); highest among the groups gnomAD compares: Middle Eastern, 0.28%; 10 homozygotes.

Submission:

CeGaT Center for Human Genetics Tuebingen
Classification: Likely benign. Last evaluated: 2023-03-01. Review status: criteria provided, single submitter. Criteria: CeGaT Center For Human Genetics Tuebingen Variant Classification Criteria Version 2. Collection method: clinical testing. Allele origin: germline. Affected: yes. Observed: 1 variant allele.
Comment: SNED1: BP4, BP7, BS2